The following is an entry in ClinVar:

NM_001164508.2(NEB):c.7808C>T (p.Pro2603Leu)

Gene: NEB (nebulin; minus strand). Cytogenetic location: 2q23.3.
Variant type: single nucleotide variant.
Coding change: c.7808C>T on transcript NM_001164508.2 (MANE Select); coding-DNA position 7808, C replaced by T.
Protein change: p.Pro2603Leu; replaces proline 2603 with leucine.
Molecular consequence: missense variant.
Genome position (GRCh38, 1-based): chr2:151,643,966, G>A on the plus strand (C>T on the coding strand, the complement: NEB is on the minus strand). VCF-style: chr2-151643966-G-A. GRCh37 (hg19) VCF-style: chr2-152500480-G-A.
Other names: c.7808C>T, p.Pro2603Leu (NM_001164507.2, NM_001271208.2, NM_004543.5); c.7808C>T (NM_004543.4); short protein forms P2603L.
Identifiers: ClinVar variation 971642 (VCV000971642.12), dbSNP rs1259492469, ClinGen allele CA348781786.
Genomic context (GRCh38, chr2:151,643,966, plus strand): 5'-TCCACGTCGCTGACTAAGGTCTGGCACTTCTTGGCCAACACCACCCCCAGCATGTCCACT[G>A]GGCTGCTGAACTTGGTCTTCCACTTCTCAAAGTCCTTCTTGTACTCCCTGTCACTCTGGA-3'
Protein context (NP_001157980.2, residues 2593-2613): FEKWKTKFSS[Pro2603Leu]VDMLGVVLAK

ClinVar aggregate classification (germline): Uncertain significance. Review status: criteria provided, multiple submitters, no conflicts (2 of 4 stars). 3 submissions from 3 submitters: Uncertain significance (2). 1 of the submissions does not count toward it. Last evaluated 2025-04-10.

Conditions:
Nemaline myopathy 2 (NEM2). Also called: Nemaline myopathy 2, autosomal recessive. Identifiers: MedGen C1850569, MONDO:0009725, OMIM 256030.
Inborn genetic diseases. Identifiers: MedGen C0950123, MeSH D030342.

Allele frequency attached by ClinVar (database versions not stated): gnomAD 0.00003; TOPMed 0.00003; gnomAD exomes below 0.00001.
gnomAD v4.1: 9 of 1,613,802 alleles (0.00056%); highest among the groups gnomAD compares: African/African-American, 0.012%; no homozygotes.

Submissions (3):

Ambry Genetics
Classification: Uncertain significance for Inborn genetic diseases. Last evaluated: 2025-04-10. Review status: criteria provided, single submitter. Criteria: Ambry Variant Classification Scheme 2023. Collection method: clinical testing. Allele origin: germline.

Labcorp Genetics (formerly Invitae), Labcorp
Classification: Uncertain significance for Nemaline myopathy 2. Last evaluated: 2024-10-29. Review status: criteria provided, single submitter. Criteria: Invitae Variant Classification Sherloc (09022015). Collection method: clinical testing. Allele origin: germline.
Comment: This sequence change replaces proline, which is neutral and non-polar, with leucine, which is neutral and non-polar, at codon 2603 of the NEB protein (p.Pro2603Leu). This variant is present in population databases (no rsID available, gnomAD 0.01%). This variant has not been reported in the literature in individuals affected with NEB-related conditions. ClinVar contains an entry for this variant (Variation ID: 971642). Experimental studies and prediction algorithms are not available or were not evaluated, and the functional significance of this variant is currently unknown. In summary, the available evidence is currently insufficient to determine the role of this variant in disease. Therefore, it has been classified as a Variant of Uncertain Significance.

Natera, Inc.
Classification: Uncertain significance for Nemaline myopathy type 2. Last evaluated: 2020-03-10. Review status: no assertion criteria provided. Collection method: clinical testing. Allele origin: germline. Not counted in ClinVar's aggregate classification.